The following is an entry in ClinVar:

NM_001242896.3(DEPDC5):c.59-3C>T

Gene: DEPDC5 (DEP domain containing 5, GATOR1 subcomplex subunit; plus strand). Cytogenetic location: 22q12.2.
Variant type: single nucleotide variant.
Coding change: c.59-3C>T on transcript NM_001242896.3 (MANE Select); 3 bases into the intron before coding-DNA position 59, C replaced by T.
Molecular consequence: intron variant.
Genome position (GRCh38, 1-based): chr22:31,758,543, C>T. VCF-style: chr22-31758543-C-T. GRCh37 (hg19) VCF-style: chr22-32154529-C-T.
Other names: c.59-3C>T (NM_001364318.2, NM_001136029.4, NM_014662.6 and 9 more transcripts).
Identifiers: ClinVar variation 2065820 (VCV002065820.4), dbSNP rs1064795947, ClinGen allele CA2580099602.

ClinVar aggregate classification (germline): Uncertain significance (1 of 4 stars; one submission).

Conditions:
Familial focal epilepsy with variable foci (FPEVF). Identifiers: Orphanet 98820, MedGen C1858477, MONDO:0020310.

Submission:

Labcorp Genetics (formerly Invitae), Labcorp
Classification: Uncertain significance for Familial focal epilepsy with variable foci. Last evaluated: 2022-03-25. Review status: criteria provided, single submitter. Criteria: Invitae Variant Classification Sherloc (09022015). Collection method: clinical testing. Allele origin: germline.
Comment: In summary, the available evidence is currently insufficient to determine the role of this variant in disease. Therefore, it has been classified as a Variant of Uncertain Significance. Variants that disrupt the consensus splice site are a relatively common cause of aberrant splicing (PMID: 17576681, 9536098). Algorithms developed to predict the effect of sequence changes on RNA splicing suggest that this variant is not likely to affect RNA splicing. This variant has not been reported in the literature in individuals affected with DEPDC5-related conditions. This variant is not present in population databases (gnomAD no frequency). This sequence change falls in intron 2 of the DEPDC5 gene. It does not directly change the encoded amino acid sequence of the DEPDC5 protein. It affects a nucleotide within the consensus splice site.

Literature cited by the submitters: PubMed 17576681; PubMed 9536098.